The following is an entry in ClinVar:

NM_001943.5(DSG2):c.119A>G (p.Lys40Arg)

Gene: DSG2 (desmoglein 2; plus strand). Cytogenetic location: 18q12.1.
Variant type: single nucleotide variant.
Coding change: c.119A>G on transcript NM_001943.5 (MANE Select); coding-DNA position 119, A replaced by G.
Protein change: p.Lys40Arg; replaces lysine 40 with arginine.
Molecular consequence: missense variant.
Genome position (GRCh38, 1-based): chr18:31,519,840, A>G. VCF-style: chr18-31519840-A-G. GRCh37 (hg19) VCF-style: chr18-29099803-A-G.
Other names: short protein forms K40R.
Identifiers: ClinVar variation 3637541 (VCV003637541.3).

ClinVar aggregate classification (germline): Uncertain significance. Review status: criteria provided, multiple submitters, no conflicts (2 of 4 stars). 2 submissions from 2 submitters: Uncertain significance (2). Last evaluated 2025-05-18.

Conditions:
Arrhythmogenic right ventricular dysplasia 10. Also called: Arrhythmogenic Right Ventricular Dysplasia/Cardiomyopathy10; Arrhythmogenic right ventricular dysplasia/cardiomyopathy, type 10; ARRHYTHMOGENIC RIGHT VENTRICULAR DYSPLASIA, FAMILIAL, 10. Identifiers: MedGen C1857777, MONDO:0012434, OMIM 610193.
Cardiovascular phenotype. Identifiers: MedGen CN230736.

Submissions (2):

Ambry Genetics
Classification: Uncertain significance for Cardiovascular phenotype. Last evaluated: 2025-05-18. Review status: criteria provided, single submitter. Criteria: Ambry Variant Classification Scheme 2023. Collection method: clinical testing. Allele origin: germline.
Comment: The p.K40R variant (also known as c.119A>G), located in coding exon 3 of the DSG2 gene, results from an A to G substitution at nucleotide position 119. The lysine at codon 40 is replaced by arginine, an amino acid with highly similar properties. This amino acid position is conserved. In addition, this alteration is predicted to be tolerated by in silico analysis. Based on the available evidence, the clinical significance of this variant remains unclear.

Labcorp Genetics (formerly Invitae), Labcorp
Classification: Uncertain significance for Arrhythmogenic right ventricular dysplasia 10. Last evaluated: 2024-08-10. Review status: criteria provided, single submitter. Criteria: Invitae Variant Classification Sherloc (09022015). Collection method: clinical testing. Allele origin: germline.
Comment: This sequence change replaces lysine, which is basic and polar, with arginine, which is basic and polar, at codon 40 of the DSG2 protein (p.Lys40Arg). This variant is not present in population databases (gnomAD no frequency). This variant has not been reported in the literature in individuals affected with DSG2-related conditions. Advanced modeling of protein sequence and biophysical properties (such as structural, functional, and spatial information, amino acid conservation, physicochemical variation, residue mobility, and thermodynamic stability) performed at Invitae indicates that this missense variant is not expected to disrupt DSG2 protein function with a negative predictive value of 95%. In summary, the available evidence is currently insufficient to determine the role of this variant in disease. Therefore, it has been classified as a Variant of Uncertain Significance.